The following is an entry in ClinVar:

NM_144967.4(ARHGAP36):c.1525C>T (p.Arg509Cys)

Gene: ARHGAP36 (Rho GTPase activating protein 36; plus strand). Cytogenetic location: Xq26.1.
Variant type: single nucleotide variant.
Coding change: c.1525C>T on transcript NM_144967.4 (MANE Select); coding-DNA position 1525, C replaced by T.
Protein change: p.Arg509Cys; replaces arginine 509 with cysteine.
Molecular consequence: missense variant.
Genome position (GRCh38, 1-based): chrX:131,088,666, C>T. VCF-style: chrX-131088666-C-T. GRCh37 (hg19) VCF-style: chrX-130222640-C-T.
Other names: c.1489C>T, p.Arg497Cys (NM_001282607.2); c.1117C>T, p.Arg373Cys (NM_001330651.1); short protein forms R373C, R497C, R509C.
Identifiers: ClinVar variation 5029204 (VCV005029204.1).
Genomic context (GRCh38, chrX:131,088,666, plus strand): 5'-TAACATTGTTACTATTTTTCAGGTTCCTCTGAGGAGCCAGCTGTGCCTTCCGGCACTGCC[C>T]GTTCCCATGACGATGAGGAAGGAGCGGGTAACCCTCCCATTCCGGAGCAAGACCGCCCAT-3'
Protein context (NP_659404.2, residues 499-519): EEPAVPSGTA[Arg509Cys]SHDDEEGAGN

ClinVar aggregate classification (germline): Uncertain significance (1 of 4 stars; one submission).

gnomAD v4.1: 6 of 1,211,279 alleles (0.0005%); highest among the groups gnomAD compares: East Asian, 0.0059%; no homozygotes.

Submission:

Ambry Genetics
Classification: Uncertain significance. Last evaluated: 2026-09-02. Review status: criteria provided, single submitter. Criteria: Ambry Variant Classification Scheme 2023. Collection method: clinical testing. Allele origin: germline.
Comment: The c.1525C>T (p.R509C) alteration is located in exon 12 (coding exon 11) of the ARHGAP36 gene. This alteration results from a C to T substitution at nucleotide position 1525, causing the arginine (R) at amino acid position 509 to be replaced by a cysteine (C). Based on data from gnomAD, the T allele has an overall frequency of 0.001% (1/180563) total alleles studied. The highest observed frequency was 0.004% (1/27056) of Latino alleles. Based on insufficient or conflicting evidence, the clinical significance of this alteration remains unclear.